The following is an entry in ClinVar:

ClinVar aggregate classification (germline): Pathogenic (1 of 4 stars; one submission).

Conditions:
Juvenile polyposis syndrome (JPS). Identifiers: Orphanet 2929, MedGen C0345893, MONDO:0017380, OMIM 174900.

Submission:

Labcorp Genetics (formerly Invitae), Labcorp
Classification: Pathogenic for Juvenile polyposis syndrome. Last evaluated: 2023-07-06. Review status: criteria provided, single submitter. Criteria: Invitae Variant Classification Sherloc (09022015). Collection method: clinical testing. Allele origin: germline.
Comment: This sequence change creates a premature translational stop signal (p.Val281Alafs*5) in the BMPR1A gene. It is expected to result in an absent or disrupted protein product. Loss-of-function variants in BMPR1A are known to be pathogenic (PMID: 11536076, 12417513). This variant is not present in population databases (gnomAD no frequency). This variant has not been reported in the literature in individuals affected with BMPR1A-related conditions. For these reasons, this variant has been classified as Pathogenic.

Literature cited by the submitters: PubMed 11536076; PubMed 12417513.

NM_004329.3(BMPR1A):c.842_843del (p.Val281fs)

Gene: BMPR1A (bone morphogenetic protein receptor type 1A; plus strand). Cytogenetic location: 10q23.2.
Variant type: Microsatellite.
Coding change: c.842_843del on transcript NM_004329.3 (MANE Select); coding-DNA positions 842 to 843, 2 bases deleted (TG; older notation c.842_843delTG).
Protein change: p.Val281fs; shifts the reading frame from valine 281.
Molecular consequence: frameshift variant. On other transcripts: non-coding transcript variant (3).
Genome position (GRCh38, 1-based): chr10:86,917,300-86,917,301, TG deleted; deleting any 2 consecutive bases within chr10:86,917,298-86,917,301 gives the same sequence; the c. name uses the placement nearest the transcript's 3' end. VCF-style (leftmost placement, unchanged base first): chr10-86917297-CTG-C. GRCh37 (hg19) VCF-style: chr10-88677054-CTG-C.
Other names: c.758_759del, p.Val253fs (NM_001406588.1, NM_001406584.1, NM_001406585.1 and 2 more transcripts); c.500_501del, p.Val167fs (NM_001406589.1); c.917_918del, p.Val306fs (NM_001406559.1); c.890_891del, p.Val297fs (NM_001406560.1); c.842_843del, p.Val281fs (NM_001406561.1, NM_001406562.1, NM_001406563.1 and 19 more transcripts); c.836_837del, p.Val279fs (NM_001406583.1); short protein forms V253fs, V306fs, V279fs, V167fs, V281fs, V297fs.
Identifiers: ClinVar variation 2765370 (VCV002765370.3), dbSNP rs2539605284, ClinGen allele CA2697558525.